The following is an entry in ClinVar:

NM_005732.4(RAD50):c.3890C>A (p.Ser1297Ter)

Genes: RAD50 (RAD50 double strand break repair protein; plus strand), TH2LCRR (T helper type 2 locus control region associated RNA; minus strand). Cytogenetic location: 5q31.1.
Variant type: single nucleotide variant.
Coding change: c.3890C>A on transcript NM_005732.4 (MANE Select); coding-DNA position 3890, C replaced by A.
Protein change: p.Ser1297Ter; replaces serine 1297 with a stop codon.
Molecular consequence: nonsense.
Genome position (GRCh38, 1-based): chr5:132,642,315, C>A. VCF-style: chr5-132642315-C-A. GRCh37 (hg19) VCF-style: chr5-131978007-C-A.
Other names: short protein forms S1297*.
Identifiers: ClinVar variation 1496114 (VCV001496114.6), dbSNP rs2149867051, ClinGen allele CA360937263.

ClinVar aggregate classification (germline): Uncertain significance (1 of 4 stars; one submission).

Conditions:
Hereditary cancer-predisposing syndrome. Also called: Tumor predisposition; Hereditary neoplastic syndrome; Neoplastic Syndromes, Hereditary; Hereditary Cancer Syndrome. Identifiers: Orphanet 140162, MedGen C0027672, MeSH D009386, MONDO:0015356.

Submission:

Labcorp Genetics (formerly Invitae), Labcorp
Classification: Uncertain significance for Hereditary cancer-predisposing syndrome. Last evaluated: 2022-07-19. Review status: criteria provided, single submitter. Criteria: Invitae Variant Classification Sherloc (09022015). Collection method: clinical testing. Allele origin: germline.
Comment: In summary, the available evidence is currently insufficient to determine the role of this variant in disease. Therefore, it has been classified as a Variant of Uncertain Significance. ClinVar contains an entry for this variant (Variation ID: 1496114). This variant has not been reported in the literature in individuals affected with RAD50-related conditions. This variant is not present in population databases (gnomAD no frequency). This sequence change creates a premature translational stop signal (p.Ser1297*) in the RAD50 gene. While this is not anticipated to result in nonsense mediated decay, it is expected to disrupt the last 16 amino acid(s) of the RAD50 protein.